The following is an entry in ClinVar:

NM_030632.3(ASXL3):c.2884_2886del (p.Ser962del)

Gene: ASXL3 (ASXL transcriptional regulator 3; plus strand). Cytogenetic location: 18q12.1.
Variant type: Deletion.
Coding change: c.2884_2886del on transcript NM_030632.3 (MANE Select); coding-DNA positions 2884 to 2886, 3 bases deleted (TCA; older notation c.2884_2886delTCA).
Protein change: p.Ser962del; deletes serine 962.
Molecular consequence: inframe deletion.
Genome position (GRCh38, 1-based): chr18:33,740,288-33,740,290, TCA deleted; deleting any 3 consecutive bases within chr18:33,740,287-33,740,290 gives the same sequence; the c. name uses the placement nearest the transcript's 3' end. VCF-style (leftmost placement, unchanged base first): chr18-33740286-TATC-T. GRCh37 (hg19) VCF-style: chr18-31320250-TATC-T.
Other names: short protein forms S962del.
Identifiers: ClinVar variation 504173 (VCV000504173.2), dbSNP rs1555742940, ClinGen allele CA658799028.
Genomic context (GRCh38, chr18:33,740,286, plus strand): 5'-AGTCATCAGAGCCCTCCAAGTCACCTGATGGGATAAGAAATGAAAGTAGAGATTCAGAGA[TATC>T]AAAGAGAAAAACTGCAGAGCAACACAGCTTTGGAATCTGTAAGGAAAAGAGAGCTAGGAT-3'

ClinVar aggregate classification (germline): Uncertain significance (1 of 4 stars; one submission).

Submission:

GeneDx
Classification: Uncertain significance. Last evaluated: 2018-01-31. Review status: criteria provided, single submitter. Criteria: GeneDx Variant Classification (06012015). Collection method: clinical testing. Allele origin: germline. Affected: yes.
Comment: The c.2884_2886delTCA variant has not been published as a pathogenic variant, nor has it been reported as a benign variant to our knowledge. The c.2884_2886delTCA variant is not observed in large population cohorts (Lek et al., 2016). The c.2884_2886delTCA variant results in an in-frame deletion of one amino acid, denoted p.Ser962del. In silico analyses, including protein predictors and evolutionary conservation, support a deleterious effect. Based on the currently available information, it is unclear whether this variant is a pathogenic variant or a rare benign variant.